The following is an entry in ClinVar:

ClinVar aggregate classification (germline): Uncertain significance (1 of 4 stars; one submission).

gnomAD v4.1: 1 of 1,566,050 alleles (0.000064%); highest among the groups gnomAD compares: Non-Finnish European, 0.000086%; no homozygotes.

Submission:

Ambry Genetics
Classification: Uncertain significance. Last evaluated: 2025-08-02. Review status: criteria provided, single submitter. Criteria: Ambry Variant Classification Scheme 2023. Collection method: clinical testing. Allele origin: germline.
Comment: The p.A1842V variant (also known as c.5525C>T), located in coding exon 22 of the WNK2 gene, results from a C to T substitution at nucleotide position 5525. The alanine at codon 1842 is replaced by valine, an amino acid with similar properties. This amino acid position is conserved. In addition, this alteration is predicted to be deleterious by in silico analysis. Based on the available evidence, the clinical significance of this variant remains unclear.

NM_006648.4(WNK2):c.5525C>T (p.Ala1842Val)

Gene: WNK2 (WNK lysine deficient protein kinase 2; plus strand). Cytogenetic location: 9q22.31.
Variant type: single nucleotide variant.
Coding change: c.5525C>T on transcript NM_006648.4 (MANE Select); coding-DNA position 5525, C replaced by T.
Protein change: p.Ala1842Val; replaces alanine 1842 with valine.
Molecular consequence: missense variant.
Genome position (GRCh38, 1-based): chr9:93,292,990, C>T. VCF-style: chr9-93292990-C-T. GRCh37 (hg19) VCF-style: chr9-96055272-C-T.
Other names: c.5636C>T, p.Ala1879Val (NM_001282394.3); short protein forms A1842V, A1879V.
Identifiers: ClinVar variation 4201703 (VCV004201703.1).